The following is an entry in ClinVar:

ClinVar aggregate classification (germline): Uncertain significance. Review status: criteria provided, multiple submitters, no conflicts (2 of 4 stars). 3 submissions from 3 submitters: Uncertain significance (3). Last evaluated 2024-01-01.

Allele frequency attached by ClinVar (database versions not stated): TOPMed below 0.00001; gnomAD exomes 0.00001.
gnomAD v4.1: 5 of 1,538,120 alleles (0.00033%); highest among the groups gnomAD compares: Admixed American, 0.01%; no homozygotes.

Submissions (3):

Labcorp Genetics (formerly Invitae), Labcorp
Classification: Uncertain significance. Last evaluated: 2024-01-01. Review status: criteria provided, single submitter. Criteria: Invitae Variant Classification Sherloc (09022015). Collection method: clinical testing. Allele origin: germline.
Comment: This sequence change replaces arginine, which is basic and polar, with lysine, which is basic and polar, at codon 1148 of the EYS protein (p.Arg1148Lys). This variant also falls at the last nucleotide of exon 22, which is part of the consensus splice site for this exon. This variant is present in population databases (no rsID available, gnomAD 0.005%). This variant has not been reported in the literature in individuals affected with EYS-related conditions. ClinVar contains an entry for this variant (Variation ID: 1401052). An algorithm developed to predict the effect of missense changes on protein structure and function (PolyPhen-2) suggests that this variant¬†is likely to be tolerated. Variants that disrupt the consensus splice site are a relatively common cause of aberrant splicing (PMID: 17576681, 9536098). Algorithms developed to predict the effect of sequence changes on RNA splicing suggest that this variant may disrupt the consensus splice site. In summary, the available evidence is currently insufficient to determine the role of this variant in disease. Therefore, it has been classified as a Variant of Uncertain Significance.

Women's Health and Genetics/Laboratory Corporation of America, LabCorp
Classification: Uncertain significance. Last evaluated: 2022-06-07. Review status: criteria provided, single submitter. Criteria: LabCorp Variant Classification Summary - May 2015. Collection method: clinical testing. Allele origin: germline.
Comment: Variant summary: EYS c.3443G>A (p.Arg1148Lys) results in a conservative amino acid change located in the EGF-like domain (IPR000742) of the encoded protein sequence near the exonic splice region in exon 22. Three of five in-silico tools predict a benign effect of the variant on protein function. Several computational tools predict a significant impact on normal splicing: Three predict the variant weakens a 5' donor site and one predicts the variant abolishes a 5' splicing donor site. However, these predictions have yet to be confirmed by functional studies. The variant allele was found at a frequency of 6.9e-06 in 145890 control chromosomes (gnomAD). The available data on variant occurrences in the general population are insufficient to allow any conclusion about variant significance. To our knowledge, no occurrence of c.3443G>A in individuals affected with Retinitis Pigmentosa and no experimental evidence demonstrating its impact on protein function have been reported. One clinical diagnostic laboratory has submitted clinical-significance assessments for this variant to ClinVar after 2014 and classified it as uncertain significance. Based on the evidence outlined above, the variant was classified as uncertain significance.

Blueprint Genetics
Classification: Uncertain significance. Last evaluated: 2021-09-22. Review status: criteria provided, single submitter. Criteria: ACMG Guidelines, 2015. Collection method: clinical testing. Allele origin: germline.

Literature cited by the submitters: PubMed 17576681 (cited by Labcorp Genetics (formerly Invitae), Labcorp); PubMed 9536098 (cited by Labcorp Genetics (formerly Invitae), Labcorp).

NM_001142800.2(EYS):c.3443G>A (p.Arg1148Lys)

Gene: EYS (EGF-like photoreceptor maintenance factor; minus strand). Cytogenetic location: 6q12.
Variant type: single nucleotide variant.
Coding change: c.3443G>A on transcript NM_001142800.2 (MANE Select); coding-DNA position 3443, G replaced by A.
Protein change: p.Arg1148Lys; replaces arginine 1148 with lysine.
Molecular consequence: missense variant.
Genome position (GRCh38, 1-based): chr6:64,813,378, C>T on the plus strand (G>A on the coding strand, the complement: EYS is on the minus strand). VCF-style: chr6-64813378-C-T. GRCh37 (hg19) VCF-style: chr6-65523271-C-T.
Other names: c.3443G>A, p.Arg1148Lys (NM_001292009.2); short protein forms R1148K.
Identifiers: ClinVar variation 1401052 (VCV001401052.7), dbSNP rs1334016191, ClinGen allele CA364786665.